The following is an entry in ClinVar:

NM_174936.4(PCSK9):c.1433C>T (p.Ala478Val)

Gene: PCSK9 (proprotein convertase subtilisin/kexin type 9; plus strand). Cytogenetic location: 1p32.3.
Variant type: single nucleotide variant.
Coding change: c.1433C>T on transcript NM_174936.4 (MANE Select); coding-DNA position 1433, C replaced by T.
Protein change: p.Ala478Val; replaces alanine 478 with valine.
Molecular consequence: missense variant. On other transcripts: non-coding transcript variant (8), intron variant (1).
Genome position (GRCh38, 1-based): chr1:55,058,577, C>T. VCF-style: chr1-55058577-C-T. GRCh37 (hg19) VCF-style: chr1-55524250-C-T.
Other names: c.1376C>T, p.Ala459Val (NM_001407243.1); c.1259C>T, p.Ala420Val (NM_001407244.1); c.1241C>T, p.Ala414Val (NM_001407245.1); c.1058C>T, p.Ala353Val (NM_001407246.1); c.1180+1063C>T (NM_001407247.1); c.1556C>T, p.Ala519Val (NM_001407240.1); c.1433C>T, p.Ala478Val (NM_001407241.1); c.1436C>T, p.Ala479Val (NM_001407242.1); short protein forms A478V, A353V, A420V, A459V, A519V, A414V, A479V.
Identifiers: ClinVar variation 2914515 (VCV002914515.5), dbSNP rs1430200092, ClinGen allele CA340478989.

ClinVar aggregate classification (germline): Conflicting classifications of pathogenicity. Review status: criteria provided, conflicting classifications (1 of 4 stars). 3 submissions from 3 submitters: Uncertain significance (2); Likely benign (1). Last evaluated 2025-08-20.

Conditions:
Familial hypercholesterolemia. Also called: Familial hypercholesterolemias; Familial hypercholesterolaemia. Identifiers: MedGen C0020445, MONDO:0005439.
Hypercholesterolemia, autosomal dominant, 3 (FHCL3). Also called: Familial Hypercholesterolemia, Autosomal Dominant, 3; PCSK9-Related Familial Hypercholesterolemia, Autosomal Dominant; Familial hypercholesterolemia 3. Identifiers: MedGen C1863551, MONDO:0011369, OMIM 603776.

Allele frequency attached by ClinVar (database versions not stated): TOPMed below 0.00001; gnomAD 0.00001; gnomAD exomes 0.00001.
gnomAD v4.1: 9 of 1,611,946 alleles (0.00056%); highest among the groups gnomAD compares: Non-Finnish European, 0.00076%; no homozygotes.

Submissions (3):

Color Diagnostics, LLC DBA Color Health
Classification: Likely benign for Familial hypercholesterolemia. Last evaluated: 2025-08-20. Review status: criteria provided, single submitter. Criteria: ACMG Guidelines, 2015. Collection method: clinical testing. Allele origin: germline.

Labcorp Genetics (formerly Invitae), Labcorp
Classification: Uncertain significance for Hypercholesterolemia, autosomal dominant, 3. Last evaluated: 2024-02-12. Review status: criteria provided, single submitter. Criteria: Invitae Variant Classification Sherloc (09022015). Collection method: clinical testing. Allele origin: germline.
Comment: This sequence change replaces alanine, which is neutral and non-polar, with valine, which is neutral and non-polar, at codon 478 of the PCSK9 protein (p.Ala478Val). This variant is not present in population databases (gnomAD no frequency). This variant has not been reported in the literature in individuals affected with PCSK9-related conditions. Advanced modeling of protein sequence and biophysical properties (such as structural, functional, and spatial information, amino acid conservation, physicochemical variation, residue mobility, and thermodynamic stability) performed at Invitae indicates that this missense variant is not expected to disrupt PCSK9 protein function with a negative predictive value of 80%. In summary, the available evidence is currently insufficient to determine the role of this variant in disease. Therefore, it has been classified as a Variant of Uncertain Significance.

All of Us Research Program, National Institutes of Health
Classification: Uncertain significance for Hypercholesterolemia, autosomal dominant, 3. Last evaluated: 2023-04-10. Review status: criteria provided, single submitter. Criteria: ACMG Guidelines, 2015. Collection method: clinical testing. Allele origin: germline. Inheritance: Autosomal dominant inheritance. Observed: 1 variant allele, 1 heterozygote.
Comment: This missense variant replaces alanine with valine at codon 478 of the PCSK9 protein. Computational prediction suggests that this variant may not impact protein structure and function (internally defined REVEL score threshold <= 0.5, PMID: 27666373). To our knowledge, functional studies have not been reported for this variant. This variant has not been reported in individuals affected with PCSK9-related disorders in the literature. This variant has not been identified in the general population by the Genome Aggregation Database (gnomAD). The available evidence is insufficient to determine the role of this variant in disease conclusively. Therefore, this variant is classified as a Variant of Uncertain Significance.

This study involves interpretation of variants in research participants for the purpose of population health screening. Participant phenotype was not available at the time of variant classification. Additional details can be found in publication PMID: 35346344, PMCID: PMC8962531